The following is an entry in ClinVar:

NM_007118.4(TRIO):c.199C>T (p.Pro67Ser)

Gene: TRIO (trio Rho guanine nucleotide exchange factor; plus strand). Cytogenetic location: 5p15.2.
Variant type: single nucleotide variant.
Coding change: c.199C>T on transcript NM_007118.4 (MANE Select); coding-DNA position 199, C replaced by T.
Protein change: p.Pro67Ser; replaces proline 67 with serine.
Molecular consequence: missense variant. On other transcripts: non-coding transcript variant (1).
Genome position (GRCh38, 1-based): chr5:14,270,866, C>T. VCF-style: chr5-14270866-C-T. GRCh37 (hg19) VCF-style: chr5-14270975-C-T.
Other names: short protein forms P67S.
Identifiers: ClinVar variation 4873670 (VCV004873670.2).

ClinVar aggregate classification (germline): Likely benign (1 of 4 stars; one submission).

gnomAD v4.1: 263 of 1,613,974 alleles (0.016%); highest among the groups gnomAD compares: East Asian, 0.57%; no homozygotes.

Submission:

CeGaT Center for Human Genetics Tuebingen
Classification: Likely benign. Last evaluated: 2026-04-01. Review status: criteria provided, single submitter. Criteria: CeGaT Center For Human Genetics Tuebingen Variant Classification Criteria Version 2. Collection method: clinical testing. Allele origin: germline. Affected: yes. Observed: 1 variant allele.
Comment: TRIO: PP3, BS1